The following is an entry in ClinVar:

ClinVar aggregate classification (germline): Uncertain significance (1 of 4 stars; one submission).

Conditions:
Fanconi anemia (FA). Also called: Fanconi's anemia. Identifiers: Orphanet 84, MedGen C0015625, MeSH D005199, MONDO:0019391.

Submission:

Labcorp Genetics (formerly Invitae), Labcorp
Classification: Uncertain significance for Fanconi anemia. Last evaluated: 2023-11-01. Review status: criteria provided, single submitter. Criteria: Invitae Variant Classification Sherloc (09022015). Collection method: clinical testing. Allele origin: germline.
Comment: This sequence change replaces aspartic acid, which is acidic and polar, with alanine, which is neutral and non-polar, at codon 833 of the FANCM protein (p.Asp833Ala). This variant is not present in population databases (gnomAD no frequency). This variant has not been reported in the literature in individuals affected with FANCM-related conditions. Algorithms developed to predict the effect of missense changes on protein structure and function output the following: SIFT: "Not Available"; PolyPhen-2: "Benign"; Align-GVGD: "Not Available". The alanine amino acid residue is found in multiple mammalian species, which suggests that this missense change does not adversely affect protein function. In summary, the available evidence is currently insufficient to determine the role of this variant in disease. Therefore, it has been classified as a Variant of Uncertain Significance.

NM_020937.4(FANCM):c.2498A>C (p.Asp833Ala)

Gene: FANCM (FA complementation group M; plus strand). Cytogenetic location: 14q21.2.
Variant type: single nucleotide variant.
Coding change: c.2498A>C on transcript NM_020937.4 (MANE Select); coding-DNA position 2498, A replaced by C.
Protein change: p.Asp833Ala; replaces aspartic acid 833 with alanine.
Molecular consequence: missense variant.
Genome position (GRCh38, 1-based): chr14:45,175,252, A>C. VCF-style: chr14-45175252-A-C. GRCh37 (hg19) VCF-style: chr14-45644455-A-C.
Other names: c.2420A>C, p.Asp807Ala (NM_001308133.2); short protein forms D833A, D807A.
Identifiers: ClinVar variation 2773167 (VCV002773167.3), dbSNP rs2139241882, ClinGen allele CA389597975.